The following is an entry in ClinVar:

ClinVar aggregate classification (germline): Conflicting classifications of pathogenicity. Review status: criteria provided, conflicting classifications (1 of 4 stars). 2 submissions from 2 submitters: Uncertain significance (1); Likely benign (1). Last evaluated 2025-11-11.

Submissions (2):

Labcorp Genetics (formerly Invitae), Labcorp
Classification: Uncertain significance. Last evaluated: 2025-11-11. Review status: criteria provided, single submitter. Criteria: Invitae Variant Classification Sherloc (09022015). Collection method: clinical testing. Allele origin: germline.
Comment: This sequence change replaces glycine, which is neutral and non-polar, with arginine, which is basic and polar, at codon 151 of the KLF11 protein (p.Gly151Arg). This variant is present in population databases (rs147735654, gnomAD 0.03%). This variant has not been reported in the literature in individuals affected with KLF11-related conditions. ClinVar contains an entry for this variant (Variation ID: 4093306). An algorithm developed to predict the effect of missense changes on protein structure and function outputs the following: PolyPhen-2: "Benign". The arginine amino acid residue is found in multiple mammalian species, which suggests that this missense change does not adversely affect protein function. In summary, the available evidence is currently insufficient to determine the role of this variant in disease. Therefore, it has been classified as a Variant of Uncertain Significance.

Ambry Genetics
Classification: Likely benign. Last evaluated: 2025-07-02. Review status: criteria provided, single submitter. Criteria: Ambry Variant Classification Scheme 2023. Collection method: clinical testing. Allele origin: germline.

NM_003597.5(KLF11):c.451G>A (p.Gly151Arg)

Gene: KLF11 (KLF transcription factor 11; plus strand). Cytogenetic location: 2p25.1.
Variant type: single nucleotide variant.
Coding change: c.451G>A on transcript NM_003597.5 (MANE Select); coding-DNA position 451, G replaced by A.
Protein change: p.Gly151Arg; replaces glycine 151 with arginine.
Molecular consequence: missense variant.
Genome position (GRCh38, 1-based): chr2:10,047,788, G>A. VCF-style: chr2-10047788-G-A. GRCh37 (hg19) VCF-style: chr2-10187915-G-A.
Other names: c.400G>A, p.Gly134Arg (NM_001177716.2, NM_001177718.2); short protein forms G151R, G134R.
Identifiers: ClinVar variation 4093306 (VCV004093306.2).
Genomic context (GRCh38, chr2:10,047,788, plus strand): 5'-AAAGCATGTACAGCCACGGATGTTCTCCAGTCCTCTGCCGTAGTGGCCAGAGCTCTGAGC[G>A]GGGGCGCGGAGAGGGGCTTGCTGGGTTTGGAGCCAGTGCCCAGCTCTCCCTGCAGGGCCA-3'
Protein context (NP_003588.1, residues 141-161): SSAVVARALS[Gly151Arg]GAERGLLGLE